The following is an entry in ClinVar:

ClinVar aggregate classification (germline): Pathogenic (1 of 4 stars; one submission).

Conditions:
Neurofibromatosis, type 1 (NF1). Also called: NEUROFIBROMATOSIS, TYPE I, SOMATIC; Peripheral type neurofibromatosis; Neurofibromatosis, type I; VON RECKLINGHAUSEN DISEASE. Identifiers: Orphanet 636, MedGen C0027831, MONDO:0018975, OMIM 162200. Disease mechanism: loss of function.

Submission:

Labcorp Genetics (formerly Invitae), Labcorp
Classification: Pathogenic for Neurofibromatosis, type 1. Last evaluated: 2024-11-24. Review status: criteria provided, single submitter. Criteria: Invitae Variant Classification Sherloc (09022015). Collection method: clinical testing. Allele origin: germline.
Comment: This sequence change creates a premature translational stop signal (p.Gln2303Serfs*22) in the NF1 gene. It is expected to result in an absent or disrupted protein product. Loss-of-function variants in NF1 are known to be pathogenic (PMID: 10712197, 23913538). This variant is not present in population databases (gnomAD no frequency). This variant has not been reported in the literature in individuals affected with NF1-related conditions. For these reasons, this variant has been classified as Pathogenic.

Literature cited by the submitters: PubMed 10712197; PubMed 23913538.

NM_001042492.3(NF1):c.6970del (p.Gln2324fs)

Gene: NF1 (neurofibromin 1; plus strand). Cytogenetic location: 17q11.2.
Variant type: Deletion.
Coding change: c.6970del on transcript NM_001042492.3 (MANE Select); coding-DNA position 6970, one base deleted (C; older notation c.6970delC).
Protein change: p.Gln2324fs; shifts the reading frame from glutamine 2324.
Molecular consequence: frameshift variant.
Genome position (GRCh38, 1-based): chr17:31,340,553, C deleted. VCF-style (leftmost placement, unchanged base first): chr17-31340552-GC-G. GRCh37 (hg19) VCF-style: chr17-29667570-GC-G.
Other names: c.6907delC, p.Gln2303Serfs (NM_000267.4); short protein forms Q2303fs, Q2324fs.
Identifiers: ClinVar variation 3725914 (VCV003725914.2).